The following is an entry in ClinVar:

NM_004970.3(IGFALS):c.1399C>T (p.Arg467Cys)

Gene: IGFALS (insulin like growth factor binding protein acid labile subunit; minus strand). Cytogenetic location: 16p13.3.
Variant type: single nucleotide variant.
Coding change: c.1399C>T on transcript NM_004970.3 (MANE Select); coding-DNA position 1399, C replaced by T.
Protein change: p.Arg467Cys; replaces arginine 467 with cysteine.
Molecular consequence: missense variant. On other transcripts: non-coding transcript variant (1).
Genome position (GRCh38, 1-based): chr16:1,791,019, G>A on the plus strand (C>T on the coding strand, the complement: IGFALS is on the minus strand). VCF-style: chr16-1791019-G-A. GRCh37 (hg19) VCF-style: chr16-1841020-G-A.
Other names: c.1399C>T (NM_004970.2); c.1513C>T, p.Arg505Cys (NM_001146006.2); short protein forms R467C, R505C.
Identifiers: ClinVar variation 3063821 (VCV003063821.3), dbSNP rs373710655, ClinGen allele CA7820316.

ClinVar aggregate classification (germline): Uncertain significance. Review status: criteria provided, multiple submitters, no conflicts (2 of 4 stars). 2 submissions from 2 submitters: Uncertain significance (2). Last evaluated 2026-02-19.

Conditions:
Inborn genetic diseases. Identifiers: MedGen C0950123, MeSH D030342.

Allele frequency attached by ClinVar (database versions not stated): ExAC 0.00007; TOPMed 0.00021; gnomAD 0.00023; ESP Exome Variant Server 0.00032.
gnomAD v4.1: 84 of 1,598,170 alleles (0.0053%); highest among the groups gnomAD compares: African/African-American, 0.077%; no homozygotes.

Submissions (2):

Women's Health and Genetics/Laboratory Corporation of America, LabCorp
Classification: Uncertain significance. Last evaluated: 2026-02-19. Review status: criteria provided, single submitter. Criteria: LabCorp Variant Classification Summary - May 2015. Collection method: clinical testing. Allele origin: germline.
Comment: Variant summary: IGFALS c.1399C>T (p.Arg467Cys) results in a non-conservative amino acid change in the encoded protein sequence. Algorithms developed to predict the effect of missense changes on protein structure and function are either unavailable or do not agree on the potential impact of this missense change. The variant allele was found at a frequency of 6e-05 in 232162 control chromosomes. This frequency is not significantly higher than estimated for disease-causing variants in IGFALS, allowing no conclusion about variant significance. To our knowledge, no occurrence of c.1399C>T in individuals affected with IGFALS-related conditions and no experimental evidence demonstrating its impact on protein function have been reported. ClinVar contains an entry for this variant (Variation ID: 3063821). Based on the evidence outlined above, the variant was classified as uncertain significance.

Ambry Genetics
Classification: Uncertain significance for Inborn genetic diseases. Last evaluated: 2024-07-07. Review status: criteria provided, single submitter. Criteria: Ambry Variant Classification Scheme 2023. Collection method: clinical testing. Allele origin: germline.